The following is an entry in ClinVar:

ClinVar aggregate classification (germline): Uncertain significance. Review status: criteria provided, multiple submitters, no conflicts (2 of 4 stars). 2 submissions from 2 submitters: Uncertain significance (2). Last evaluated 2023-09-12.

Conditions:
Inborn genetic diseases. Identifiers: MedGen C0950123, MeSH D030342.

Allele frequency attached by ClinVar (database versions not stated): gnomAD exomes below 0.00001.
gnomAD v4.1: 2 of 1,614,166 alleles (0.00012%); highest among the groups gnomAD compares: Non-Finnish European, 0.00017%; no homozygotes.

Submissions (2):

Mayo Clinic Laboratories, Mayo Clinic
Classification: Uncertain significance. Last evaluated: 2023-09-12. Review status: criteria provided, single submitter. Criteria: ACMG Guidelines, 2015. Collection method: clinical testing. Allele origin: germline. Observed: 1 variant allele.
Comment: BP4_strong, PM2

Ambry Genetics
Classification: Uncertain significance for Inborn genetic diseases. Last evaluated: 2023-05-24. Review status: criteria provided, single submitter. Criteria: Ambry Variant Classification Scheme 2023. Collection method: clinical testing. Allele origin: germline.

NM_139057.4(ADAMTS17):c.581C>T (p.Ala194Val)

Gene: ADAMTS17 (ADAM metallopeptidase with thrombospondin type 1 motif 17; minus strand). Cytogenetic location: 15q26.3.
Variant type: single nucleotide variant.
Coding change: c.581C>T on transcript NM_139057.4 (MANE Select); coding-DNA position 581, C replaced by T.
Protein change: p.Ala194Val; replaces alanine 194 with valine.
Molecular consequence: missense variant.
Genome position (GRCh38, 1-based): chr15:100,330,924, G>A on the plus strand (C>T on the coding strand, the complement: ADAMTS17 is on the minus strand). VCF-style: chr15-100330924-G-A. GRCh37 (hg19) VCF-style: chr15-100871129-G-A.
Other names: p.Ala194Val; short protein forms A194V.
Identifiers: ClinVar variation 2551917 (VCV002551917.3), dbSNP rs1219620063, ClinGen allele CA394521178.
Genomic context (GRCh38, chr15:100,330,924, plus strand): 5'-TGGTCATGCTGCTGCCCCGACTCACCTGTTAGAACCTTGCAGAGCTGCTCAGGTCTCTGG[G>A]CCTCAGCAGAAGGGCTGGGGGTCAAGGACCATTTGCGCCTGATCAGATGTTCTCGTCCAC-3'
Protein context (NP_620688.2, residues 184-204): WSLTPSPSAE[Ala194Val]QRPEQLCKVL